The following is an entry in ClinVar:

NM_000441.2(SLC26A4):c.1279T>C (p.Ser427Pro)

Gene: SLC26A4 (solute carrier family 26 member 4; plus strand). Cytogenetic location: 7q22.3.
Variant type: single nucleotide variant.
Coding change: c.1279T>C on transcript NM_000441.2 (MANE Select); coding-DNA position 1279, T replaced by C.
Protein change: p.Ser427Pro; replaces serine 427 with proline.
Molecular consequence: missense variant.
Genome position (GRCh38, 1-based): chr7:107,694,418, T>C. VCF-style: chr7-107694418-T-C. GRCh37 (hg19) VCF-style: chr7-107334863-T-C.
Other names: short protein forms S427P.
Identifiers: ClinVar variation 3601735 (VCV003601735.2).

ClinVar aggregate classification (germline): Conflicting classifications of pathogenicity. Review status: criteria provided, conflicting classifications (1 of 4 stars). 2 submissions from 2 submitters: Pathogenic (1); Uncertain significance (1). Last evaluated 2025-09-02.

Conditions:
Pendred syndrome (PDS). Also called: Pendred's syndrome; Pendred Syndrome (PDS); DEAFNESS WITH GOITER; GOITER-DEAFNESS SYNDROME; HYPOTHYROIDISM, CONGENITAL, DUE TO DYSHORMONOGENESIS, 2B; THYROID DYSHORMONOGENESIS 2B. Identifiers: Orphanet 705, MedGen C0271829, MONDO:0010134, OMIM 274600.
Autosomal recessive nonsyndromic hearing loss 4 (DFNB4). Also called: FOXI1-Related Pendred Syndrome; KCNJ10-Related Pendred Syndrome; DEAFNESS, AUTOSOMAL RECESSIVE 4, WITH ENLARGED VESTIBULAR AQUEDUCT, DIGENIC; Deafness, autosomal recessive 4, with enlarged vestibular aqueduct; Enlarged vestibular aqueduct, digenic; Nonsyndromic enlarged vestibular aqueduct (NSEVA). Identifiers: Orphanet 90636, MedGen C3538946, MONDO:0010933, OMIM 600791.

gnomAD v4.1: 3 of 1,613,526 alleles (0.00019%); highest among the groups gnomAD compares: South Asian, 0.0033%; no homozygotes.

Submissions (2):

Myriad Genetics, Inc.
Classification: Uncertain significance for Pendred syndrome. Last evaluated: 2025-09-02. Review status: criteria provided, single submitter. Criteria: Myriad Autosomal Dominant, Autosomal Recessive and X-Linked Classification Criteria (2023). Collection method: clinical testing. Allele origin: unknown.
Comment: NM_000441.1(SLC26A4):c.1279T>C(S427P) is a missense variant classified as a variant of uncertain significance in the context of Pendred syndrome. S427P has not been observed in cases with relevant disease. Relevant functional assessments of this variant are not available in the literature. S427P has been observed in referenced population frequency databases. In summary, there is insufficient evidence to classify NM_000441.1(SLC26A4):c.1279T>C(S427P) as pathogenic or benign. Please note: this variant was assessed in the context of healthy population screening.

Institute of Rare Diseases, West China Hospital, Sichuan University
Classification: Pathogenic for Autosomal recessive nonsyndromic hearing loss 4. Last evaluated: 2025-01-09. Review status: criteria provided, single submitter. Criteria: ClinGen HL ACMG Specifications v1. Collection method: research. Allele origin: germline. Affected: yes.